The following is an entry in ClinVar:

ClinVar aggregate classification (germline): Uncertain significance (1 of 4 stars; one submission).

Conditions:
Dilated cardiomyopathy 1J (CMD1J). Also called: CARDIOMYOPATHY, DILATED, WITH SENSORINEURAL HEARING LOSS, AUTOSOMAL DOMINANT. Identifiers: Orphanet 217622, MedGen C1854368, MONDO:0011541, OMIM 605362.

Submission:

Labcorp Genetics (formerly Invitae), Labcorp
Classification: Uncertain significance for Dilated cardiomyopathy 1J. Last evaluated: 2022-08-31. Review status: criteria provided, single submitter. Criteria: Invitae Variant Classification Sherloc (09022015). Collection method: clinical testing. Allele origin: germline.
Comment: This variant has not been reported in the literature in individuals affected with EYA4-related conditions. In summary, the available evidence is currently insufficient to determine the role of this variant in disease. Therefore, it has been classified as a Variant of Uncertain Significance. Algorithms developed to predict the effect of missense changes on protein structure and function (SIFT, PolyPhen-2, Align-GVGD) all suggest that this variant is likely to be tolerated. This variant is not present in population databases (gnomAD no frequency). This sequence change replaces isoleucine, which is neutral and non-polar, with leucine, which is neutral and non-polar, at codon 543 of the EYA4 protein (p.Ile543Leu).

NM_004100.5(EYA4):c.1627A>T (p.Ile543Leu)

Genes: EYA4 (EYA transcriptional coactivator and phosphatase 4; plus strand), TARID (TCF21 antisense RNA inducing promoter demethylation; minus strand). Cytogenetic location: 6q23.2.
Variant type: single nucleotide variant.
Coding change: c.1627A>T on transcript NM_004100.5 (MANE Select); coding-DNA position 1627, A replaced by T.
Protein change: p.Ile543Leu; replaces isoleucine 543 with leucine.
Molecular consequence: missense variant.
Genome position (GRCh38, 1-based): chr6:133,523,066, A>T. VCF-style: chr6-133523066-A-T. GRCh37 (hg19) VCF-style: chr6-133844204-A-T.
Other names: c.1465A>T, p.Ile489Leu (NM_001301012.2); c.1645A>T, p.Ile549Leu (NM_001301013.2); c.1558A>T, p.Ile520Leu (NM_001370458.1, NM_172103.4); c.1483A>T, p.Ile495Leu (NM_001370459.1); c.1627A>T, p.Ile543Leu (NM_172105.4); short protein forms I549L, I495L, I489L, I520L, I543L.
Identifiers: ClinVar variation 2042377 (VCV002042377.4), dbSNP rs1800325384, ClinGen allele CA365698305.